The following is an entry in ClinVar:

NM_024312.5(GNPTAB):c.1519C>T (p.Gln507Ter)

Gene: GNPTAB (N-acetylglucosamine-1-phosphate transferase subunits alpha and beta; minus strand). Cytogenetic location: 12q23.2.
Variant type: single nucleotide variant.
Coding change: c.1519C>T on transcript NM_024312.5 (MANE Select); coding-DNA position 1519, C replaced by T.
Protein change: p.Gln507Ter; replaces glutamine 507 with a stop codon.
Molecular consequence: nonsense.
Genome position (GRCh38, 1-based): chr12:101,766,184, G>A on the plus strand (C>T on the coding strand, the complement: GNPTAB is on the minus strand). VCF-style: chr12-101766184-G-A. GRCh37 (hg19) VCF-style: chr12-102159962-G-A.
Other names: short protein forms Q507*.
Identifiers: ClinVar variation 39036 (VCV000039036.11), dbSNP rs281864981, ClinGen allele CA343352.

ClinVar aggregate classification (germline): Pathogenic. Review status: criteria provided, single submitter (1 of 4 stars). 2 submissions from 2 submitters: Pathogenic (1). 1 of the submissions does not count toward it. Last evaluated 2022-09-26.

Conditions:
Mucolipidosis type II. Also called: Mucolipidosis 2; ML 2; Inclusion cell disease; Leroy Disease; N-acetylglucosamine 1phosphotransferase deficiency; ML disorder type 2. Identifiers: Orphanet 576, MedGen C2673377, MONDO:0009650, OMIM 252500.
Pseudo-Hurler polydystrophy. Also called: Type III Mucolipidosis; ML IIIA; Mucolipidosis III Alpha/Beta; MUCOLIPIDOSIS IIIA; ML III; ML III ALPHA/BETA. Identifiers: Orphanet 423461, Orphanet 577, MedGen C0033788, MONDO:0018931, OMIM 252600.

Allele frequency attached by ClinVar (database versions not stated): gnomAD exomes below 0.00001.
gnomAD v4.1: 1 of 1,614,024 alleles (0.000062%); highest among the groups gnomAD compares: Non-Finnish European, 0.000085%; no homozygotes.

Submissions (2):

Labcorp Genetics (formerly Invitae), Labcorp
Classification: Pathogenic for Pseudo-Hurler polydystrophy; Mucolipidosis type II. Last evaluated: 2022-09-26. Review status: criteria provided, single submitter. Criteria: Invitae Variant Classification Sherloc (09022015). Collection method: clinical testing. Allele origin: germline.
Comment: This variant is not present in population databases (gnomAD no frequency). This premature translational stop signal has been observed in individual(s) with mucolipidosis type II alpha/beta (PMID: 19634183). ClinVar contains an entry for this variant (Variation ID: 39036). Algorithms developed to predict the effect of sequence changes on RNA splicing suggest that this variant may disrupt the consensus splice site. For these reasons, this variant has been classified as Pathogenic. This sequence change creates a premature translational stop signal (p.Gln507*) in the GNPTAB gene. It is expected to result in an absent or disrupted protein product. Loss-of-function variants in GNPTAB are known to be pathogenic (PMID: 19617216, 25107912).

GeneReviews
No classification provided. Condition: Mucolipidosis type II. Review status: no classification provided. Collection method: literature only. Allele origin: unknown. Not counted in ClinVar's aggregate classification.

Literature cited by the submitters: PubMed 19634183 (cited by Labcorp Genetics (formerly Invitae), Labcorp and GeneReviews); PubMed 19617216 (cited by Labcorp Genetics (formerly Invitae), Labcorp); PubMed 25107912 (cited by Labcorp Genetics (formerly Invitae), Labcorp); PubMed 20301728 (cited by GeneReviews); NCBI Bookshelf NBK1828 (cited by GeneReviews).